The following is an entry in ClinVar:

NM_020203.6(MEPE):c.1240T>G (p.Ser414Ala)

Genes: MEPE (matrix extracellular phosphoglycoprotein; plus strand), MEPE-AS1 (MEPE and IBSP antisense RNA 1; minus strand). Cytogenetic location: 4q22.1.
Variant type: single nucleotide variant.
Coding change: c.1240T>G on transcript NM_020203.6 (MANE Select); coding-DNA position 1240, T replaced by G.
Protein change: p.Ser414Ala; replaces serine 414 with alanine.
Molecular consequence: missense variant.
Genome position (GRCh38, 1-based): chr4:87,846,108, T>G. VCF-style: chr4-87846108-T-G. GRCh37 (hg19) VCF-style: chr4-88767260-T-G.
Other names: c.1240T>G, p.Ser414Ala (NM_001184694.3); c.901T>G, p.Ser301Ala (NM_001184695.4, NM_001184696.2, NM_001184697.2); c.1333T>G, p.Ser445Ala (NM_001291183.2); short protein forms S301A, S414A, S445A.
Identifiers: ClinVar variation 767960 (VCV000767960.7), dbSNP rs74593863, ClinGen allele CA3002813.

ClinVar aggregate classification (germline): Benign. Review status: criteria provided, multiple submitters, no conflicts (2 of 4 stars). 3 submissions from 3 submitters: Benign (2). 1 of the submissions does not count toward it. Last evaluated 2019-12-31.

Conditions:
MEPE-related disorder. Also called: MEPE-related condition.

Allele frequency attached by ClinVar (database versions not stated): gnomAD exomes 0.00067 and 0.00196; ExAC 0.00243; ESP Exome Variant Server 0.00623; gnomAD 0.00707 and 0.00758; TOPMed 0.00721; 1000 Genomes Project 0.01178; 1000 Genomes Project 30x 0.01280.
gnomAD v4.1: 2,031 of 1,602,800 alleles (0.13%); highest among the groups gnomAD compares: African/African-American, 2.4%; 20 homozygotes.

Submissions (3):

Labcorp Genetics (formerly Invitae), Labcorp
Classification: Benign. Last evaluated: 2019-12-31. Review status: criteria provided, single submitter. Criteria: Invitae Variant Classification Sherloc (09022015). Collection method: clinical testing. Allele origin: germline.

Breakthrough Genomics
Classification: Benign. Review status: criteria provided, single submitter. Criteria: ACMG Guidelines, 2015. Collection method: not provided. Allele origin: germline. Inheritance: Unknown mechanism. Affected: yes.

PreventionGenetics, part of Exact Sciences
Classification: Benign for MEPE-related condition. Last evaluated: 2019-10-28. Review status: no assertion criteria provided. Collection method: clinical testing. Allele origin: germline. Not counted in ClinVar's aggregate classification.
Comment: This variant is classified as benign based on ACMG/AMP sequence variant interpretation guidelines (Richards et al. 2015 PMID: 25741868, with internal and published modifications).